The following is an entry in ClinVar:

NM_001876.4(CPT1A):c.661T>C (p.Leu221=)

Gene: CPT1A (carnitine palmitoyltransferase 1A; minus strand). Cytogenetic location: 11q13.3.
Variant type: single nucleotide variant.
Coding change: c.661T>C on transcript NM_001876.4 (MANE Select); coding-DNA position 661, T replaced by C.
Protein change: p.Leu221=; no amino-acid change (leucine 221 retained).
Molecular consequence: synonymous variant.
Genome position (GRCh38, 1-based): chr11:68,799,250, A>G on the plus strand (T>C on the coding strand, the complement: CPT1A is on the minus strand). VCF-style: chr11-68799250-A-G. GRCh37 (hg19) VCF-style: chr11-68566718-A-G.
Other names: c.661T>C, p.Leu221= (NM_001031847.3); c.661T>C (NM_001876.3).
Identifiers: ClinVar variation 2001106 (VCV002001106.5), dbSNP rs2495634242, ClinGen allele CA475204813.

ClinVar aggregate classification (germline): Likely benign. Review status: criteria provided, single submitter (1 of 4 stars). 2 submissions from 2 submitters: Likely benign (1). 1 of the submissions does not count toward it. Last evaluated 2022-06-09.

Conditions:
CPT1A-related disorder. Also called: CPT1A-related condition.
Carnitine palmitoyl transferase 1A deficiency. Also called: Carnitine palmitoyltransferase 1A deficiency; Carnitine palmitoyltransferase type I deficiency; CPT deficiency, hepatic, type IA; CPT I DEFICIENCY; CPT DEFICIENCY, HEPATIC, TYPE I. Identifiers: Orphanet 156, MedGen C1829703, MONDO:0009705, OMIM 255120.

Submissions (2):

Labcorp Genetics (formerly Invitae), Labcorp
Classification: Likely benign for Carnitine palmitoyl transferase 1A deficiency. Last evaluated: 2022-06-09. Review status: criteria provided, single submitter. Criteria: Invitae Variant Classification Sherloc (09022015). Collection method: clinical testing. Allele origin: germline.

PreventionGenetics, part of Exact Sciences
Classification: Likely benign for CPT1A-related condition. Last evaluated: 2024-09-24. Review status: no assertion criteria provided. Collection method: clinical testing. Allele origin: germline. Not counted in ClinVar's aggregate classification.
Comment: This variant is classified as likely benign based on ACMG/AMP sequence variant interpretation guidelines (Richards et al. 2015 PMID: 25741868, with internal and published modifications).